The following is an entry in ClinVar:

ClinVar aggregate classification (germline): Uncertain significance. Review status: criteria provided, multiple submitters, no conflicts (2 of 4 stars). 2 submissions from 2 submitters: Uncertain significance (2). Last evaluated 2025-05-01.

Conditions:
Vici syndrome (VICIS). Identifiers: Orphanet 1493, MedGen C1855772, MONDO:0009452, OMIM 242840.
Inborn genetic diseases. Identifiers: MedGen C0950123, MeSH D030342.

gnomAD v4.1: 2 of 1,611,662 alleles (0.00012%); highest among the groups gnomAD compares: Admixed American, 0.0034%; no homozygotes.

Submissions (2):

Labcorp Genetics (formerly Invitae), Labcorp
Classification: Uncertain significance for Vici syndrome. Last evaluated: 2025-05-01. Review status: criteria provided, single submitter. Criteria: Invitae Variant Classification Sherloc (09022015). Collection method: clinical testing. Allele origin: germline.
Comment: This sequence change replaces proline, which is neutral and non-polar, with serine, which is neutral and polar, at codon 1306 of the EPG5 protein (p.Pro1306Ser). This variant is not present in population databases (gnomAD no frequency). This variant has not been reported in the literature in individuals affected with EPG5-related conditions. Invitae Evidence Modeling of protein sequence and biophysical properties (such as structural, functional, and spatial information, amino acid conservation, physicochemical variation, residue mobility, and thermodynamic stability) indicates that this missense variant is expected to disrupt EPG5 protein function with a positive predictive value of 80%. In summary, the available evidence is currently insufficient to determine the role of this variant in disease. Therefore, it has been classified as a Variant of Uncertain Significance.

Ambry Genetics
Classification: Uncertain significance for Inborn genetic diseases. Last evaluated: 2025-04-01. Review status: criteria provided, single submitter. Criteria: Ambry Variant Classification Scheme 2023. Collection method: clinical testing. Allele origin: germline.

NM_020964.3(EPG5):c.3916C>T (p.Pro1306Ser)

Gene: EPG5 (ectopic P-granules 5 autophagy tethering factor; minus strand). Cytogenetic location: 18q21.1.
Variant type: single nucleotide variant.
Coding change: c.3916C>T on transcript NM_020964.3 (MANE Select); coding-DNA position 3916, C replaced by T.
Protein change: p.Pro1306Ser; replaces proline 1306 with serine.
Molecular consequence: missense variant.
Genome position (GRCh38, 1-based): chr18:45,912,357, G>A on the plus strand (C>T on the coding strand, the complement: EPG5 is on the minus strand). VCF-style: chr18-45912357-G-A. GRCh37 (hg19) VCF-style: chr18-43492322-G-A.
Other names: c.3916C>T, p.Pro1306Ser (NM_001410858.1, NM_001410859.1); short protein forms P1306S.
Identifiers: ClinVar variation 4018599 (VCV004018599.2).